The following is an entry in ClinVar:

ClinVar aggregate classification (germline): Uncertain significance (1 of 4 stars; one submission).

Allele frequency attached by ClinVar (database versions not stated): gnomAD exomes below 0.00001.

Submission:

Labcorp Genetics (formerly Invitae), Labcorp
Classification: Uncertain significance. Last evaluated: 2026-01-12. Review status: criteria provided, single submitter. Criteria: Invitae Variant Classification Sherloc (09022015). Collection method: clinical testing. Allele origin: germline.
Comment: This sequence change affects an acceptor splice site in intron 12 of the SRP72 gene. It is expected to disrupt RNA splicing. Variants that disrupt the donor or acceptor splice site typically lead to a loss of protein function (PMID: 16199547), however the current clinical and genetic evidence is not sufficient to establish whether loss-of-function variants in SRP72 cause disease. This variant is not present in population databases (gnomAD no frequency). This variant has not been reported in the literature in individuals affected with SRP72-related conditions. ClinVar contains an entry for this variant (Variation ID: 2806620). Algorithms developed to predict the effect of sequence changes on RNA splicing suggest that this variant may disrupt the consensus splice site. In summary, the available evidence is currently insufficient to determine the role of this variant in disease. Therefore, it has been classified as a Variant of Uncertain Significance.

Literature cited by the submitters: PubMed 16199547.

NM_006947.4(SRP72):c.1225-2A>G

Gene: SRP72 (signal recognition particle 72; plus strand). Cytogenetic location: 4q12.
Variant type: single nucleotide variant.
Coding change: c.1225-2A>G on transcript NM_006947.4 (MANE Select); the canonical splice acceptor site of the intron before coding-DNA position 1225, A replaced by G.
Molecular consequence: splice acceptor variant.
Genome position (GRCh38, 1-based): chr4:56,489,386, A>G. VCF-style: chr4-56489386-A-G. GRCh37 (hg19) VCF-style: chr4-57355552-A-G.
Other names: c.1042-2A>G (NM_001267722.2).
Identifiers: ClinVar variation 2806620 (VCV002806620.3), dbSNP rs2545765895, ClinGen allele CA357000928.